The following is an entry in ClinVar:

ClinVar aggregate classification (germline): Uncertain significance (1 of 4 stars; one submission).

Allele frequency attached by ClinVar (database versions not stated): ExAC 0.00004; gnomAD exomes 0.00006 and 0.00014; TOPMed 0.00006; gnomAD 0.00007; ESP Exome Variant Server 0.00008.
gnomAD v4.1: 224 of 1,612,610 alleles (0.014%); highest among the groups gnomAD compares: Non-Finnish European, 0.018%; no homozygotes.

Submission:

Labcorp Genetics (formerly Invitae), Labcorp
Classification: Uncertain significance. Last evaluated: 2025-12-02. Review status: criteria provided, single submitter. Criteria: Invitae Variant Classification Sherloc (09022015). Collection method: clinical testing. Allele origin: germline.
Comment: This sequence change replaces aspartic acid, which is acidic and polar, with histidine, which is basic and polar, at codon 1391 of the TUBGCP6 protein (p.Asp1391His). This variant is present in population databases (rs375927726, gnomAD 0.01%). This variant has not been reported in the literature in individuals affected with TUBGCP6-related conditions. ClinVar contains an entry for this variant (Variation ID: 1026326). An algorithm developed to predict the effect of missense changes on protein structure and function (PolyPhen-2) suggests that this variant is likely to be disruptive. In summary, the available evidence is currently insufficient to determine the role of this variant in disease. Therefore, it has been classified as a Variant of Uncertain Significance.

NM_020461.4(TUBGCP6):c.4171G>C (p.Asp1391His)

Gene: TUBGCP6 (tubulin gamma complex component 6; minus strand). Cytogenetic location: 22q13.33.
Variant type: single nucleotide variant.
Coding change: c.4171G>C on transcript NM_020461.4 (MANE Select); coding-DNA position 4171, G replaced by C.
Protein change: p.Asp1391His; replaces aspartic acid 1391 with histidine.
Molecular consequence: missense variant.
Genome position (GRCh38, 1-based): chr22:50,219,788, C>G on the plus strand (G>C on the coding strand, the complement: TUBGCP6 is on the minus strand). VCF-style: chr22-50219788-C-G. GRCh37 (hg19) VCF-style: chr22-50658217-C-G.
Other names: short protein forms D1391H.
Identifiers: ClinVar variation 1026326 (VCV001026326.5), dbSNP rs375927726, ClinGen allele CA10307634.